The following is an entry in ClinVar:

NM_016169.4(SUFU):c.1405_1410del (p.Leu469_Lys470del)

Gene: SUFU (SUFU negative regulator of hedgehog signaling; plus strand). Cytogenetic location: 10q24.32.
Variant type: Deletion.
Coding change: c.1405_1410del on transcript NM_016169.4 (MANE Select); coding-DNA positions 1405 to 1410, 6 bases deleted (CTGAAG; older notation c.1405_1410delCTGAAG).
Protein change: p.Leu469_Lys470del.
Molecular consequence: inframe deletion.
Genome position (GRCh38, 1-based): chr10:102,630,105-102,630,110, CTGAAG deleted; deleting any 6 consecutive bases within chr10:102,630,101-102,630,110 gives the same sequence; the c. name uses the placement nearest the transcript's 3' end. VCF-style (leftmost placement, unchanged base first): chr10-102630100-AGAAGCT-A. GRCh37 (hg19) VCF-style: chr10-104389857-AGAAGCT-A.
Identifiers: ClinVar variation 3802889 (VCV003802889.2).

ClinVar aggregate classification (germline): Uncertain significance. Review status: criteria provided, multiple submitters, no conflicts (2 of 4 stars). 2 submissions from 2 submitters: Uncertain significance (2). Last evaluated 2025-01-19.

Conditions:
Basal cell nevus syndrome 2 (BCNS2). Also called: NEVOID BASAL CELL CARCINOMA SYNDROME 2. Identifiers: MedGen C5830451, MONDO:0958189, OMIM 620343.
Hereditary cancer-predisposing syndrome. Also called: Neoplastic Syndromes, Hereditary; Hereditary Cancer Syndrome; Tumor predisposition; Hereditary neoplastic syndrome. Identifiers: Orphanet 140162, MedGen C0027672, MeSH D009386, MONDO:0015356.

Submissions (2):

Ambry Genetics
Classification: Uncertain significance for Hereditary cancer-predisposing syndrome. Last evaluated: 2025-01-19. Review status: criteria provided, single submitter. Criteria: Ambry Variant Classification Scheme 2023. Collection method: clinical testing. Allele origin: germline.
Comment: The c.1405_1410delCTGAAG variant (also known as p.L469_K470del) is located in coding exon 12 of the SUFU gene. This variant results from an in-frame CTGAAG deletion at nucleotide positions 1405 to 1410. This results in the in-frame deletion of two residues (LK) at codons 469 and 470. These amino acid positions are highly conserved in available vertebrate species. In addition, this alteration is predicted to be deleterious by in silico analysis (Choi Y et al. PLoS ONE. 2012; 7(10):e46688). Based on the available evidence, the clinical significance of this variant remains unclear.

Institute for Genomic Medicine (IGM) Clinical Laboratory, Nationwide Children's Hospital
Classification: Uncertain significance for Basal cell nevus syndrome 2. Last evaluated: 2023-05-10. Review status: criteria provided, single submitter. Criteria: ACMG Guidelines, 2015. Collection method: clinical testing. Allele origin: germline.
Comment: This variant is absent from or present at an exceedingly low frequency in gnomAD, a large-scale control population database (ACMG/AMP: PM2). This variant is predicted to result in an in-frame insertion or deletion in a non-repetitive region (ACMG/AMP: PM4).